The following is an entry in ClinVar:

NM_001242896.3(DEPDC5):c.1910G>T (p.Arg637Leu)

Gene: DEPDC5 (DEP domain containing 5, GATOR1 subcomplex subunit; plus strand). Cytogenetic location: 22q12.3.
Variant type: single nucleotide variant.
Coding change: c.1910G>T on transcript NM_001242896.3 (MANE Select); coding-DNA position 1910, G replaced by T.
Protein change: p.Arg637Leu; replaces arginine 637 with leucine.
Molecular consequence: missense variant. On other transcripts: non-coding transcript variant (4), intron variant (3).
Genome position (GRCh38, 1-based): chr22:31,821,541, G>T. VCF-style: chr22-31821541-G-T. GRCh37 (hg19) VCF-style: chr22-32217527-G-T.
Other names: c.1910G>T, p.Arg637Leu (NM_001136029.4, NM_001363852.2, NM_001364318.2 and 3 more transcripts); c.1826G>T, p.Arg609Leu (NM_001369901.1, NM_001369902.1); c.1870+2316G>T (NM_001363854.2, NM_001242897.2, NM_001364319.2); short protein forms R609L, R637L.
Identifiers: ClinVar variation 2159149 (VCV002159149.5), dbSNP rs751767527, ClinGen allele CA10196497.

ClinVar aggregate classification (germline): Uncertain significance. Review status: criteria provided, multiple submitters, no conflicts (2 of 4 stars). 2 submissions from 2 submitters: Uncertain significance (2). Last evaluated 2024-05-15.

Conditions:
Familial focal epilepsy with variable foci (FPEVF). Identifiers: Orphanet 98820, MedGen C1858477, MONDO:0020310.

gnomAD v4.1: 6 of 1,614,064 alleles (0.00037%); highest among the groups gnomAD compares: Non-Finnish European, 0.00051%; no homozygotes.

Submissions (2):

Labcorp Genetics (formerly Invitae), Labcorp
Classification: Uncertain significance for Familial focal epilepsy with variable foci. Last evaluated: 2024-05-15. Review status: criteria provided, single submitter. Criteria: Invitae Variant Classification Sherloc (09022015). Collection method: clinical testing. Allele origin: germline.
Comment: This sequence change replaces arginine, which is basic and polar, with leucine, which is neutral and non-polar, at codon 637 of the DEPDC5 protein (p.Arg637Leu). This variant is present in population databases (rs751767527, gnomAD 0.003%). This variant has not been reported in the literature in individuals affected with DEPDC5-related conditions. ClinVar contains an entry for this variant (Variation ID: 2159149). Experimental studies and prediction algorithms are not available or were not evaluated, and the functional significance of this variant is currently unknown. In summary, the available evidence is currently insufficient to determine the role of this variant in disease. Therefore, it has been classified as a Variant of Uncertain Significance.

Blueprint Genetics
Classification: Uncertain significance. Last evaluated: 2020-10-15. Review status: criteria provided, single submitter. Criteria: ACMG Guidelines, 2015. Collection method: clinical testing. Allele origin: germline.